The following is an entry in ClinVar:

NM_182961.4(SYNE1):c.*103C>A

Genes: ESR1 (estrogen receptor 1; plus strand), SYNE1 (spectrin repeat containing nuclear envelope protein 1; minus strand). Cytogenetic location: 6q25.2.
Variant type: single nucleotide variant.
Coding change: c.*103C>A on transcript NM_182961.4 (MANE Select); 103 bases downstream of the stop codon, C replaced by A.
Molecular consequence: 3 prime UTR variant. On other transcripts: intron variant (1).
Genome position (GRCh38, 1-based): chr6:152,122,333, G>T on the plus strand (C>A on the coding strand, the complement: SYNE1 is on the minus strand). VCF-style: chr6-152122333-G-T. GRCh37 (hg19) VCF-style: chr6-152443468-G-T.
Other names: c.*308C>A (NM_001347701.2); c.*103C>A (NM_001347702.2, NM_033071.5); c.851-2933G>T (NM_001328100.2).
Identifiers: ClinVar variation 355804 (VCV000355804.8), dbSNP rs2250122, ClinGen allele CA10626331.

ClinVar aggregate classification (germline): Benign. Review status: criteria provided, multiple submitters, no conflicts (2 of 4 stars). 3 submissions from 2 submitters: Benign (3). Last evaluated 2018-06-18.

Conditions:
Emery-Dreifuss muscular dystrophy 4, autosomal dominant (EDMD4). Also called: EMERY-DREIFUSS MUSCULAR DYSTROPHY 4 WITH VARIABLE FEATURES. Identifiers: Orphanet 261, MedGen C2751807, MONDO:0013071, OMIM 612998.
Autosomal recessive ataxia, Beauce type. Also called: Spinocerebellar ataxia, autosomal recessive 8; SYNE1 Deficiency; ATAXIA, RECESSIVE, OF BEAUCE; SYNE1-Related Autosomal Recessive Cerebellar Ataxia. Identifiers: Orphanet 88644, MedGen C1853116, MONDO:0012549, OMIM 610743.

Allele frequency attached by ClinVar (database versions not stated): TOPMed 0.21404; 1000 Genomes Project 0.24521; 1000 Genomes Project 30x 0.24266; gnomAD 0.19913 and 0.20556.
gnomAD v4.1: 373,858 of 1,594,380 alleles (23%); highest among the groups gnomAD compares: South Asian, 34%; 45,760 homozygotes.

Submissions (3):

GeneDx
Classification: Benign. Last evaluated: 2018-06-18. Review status: criteria provided, single submitter. Criteria: GeneDx Variant Classification Process June 2021. Collection method: clinical testing. Allele origin: germline. Affected: yes.

Illumina Laboratory Services, Illumina
Classification: Benign for Autosomal recessive ataxia, Beauce type. Last evaluated: 2018-01-13. Review status: criteria provided, single submitter. Criteria: ICSL Variant Classification Criteria 13 December 2019. Collection method: clinical testing. Allele origin: germline.
Comment: This variant was observed in the ICSL laboratory as part of a predisposition screen in an ostensibly healthy population. It had not been previously curated by ICSL or reported in the Human Gene Mutation Database (HGMD: prior to June 1st, 2018), and was therefore a candidate for classification through an automated scoring system. Utilizing variant allele frequency, disease prevalence and penetrance estimates, and inheritance mode, an automated score was calculated to assess if this variant is too frequent to cause the disease. Based on the score and internal cut-off values, a variant classified as benign is not then subjected to further curation. The score for this variant resulted in a classification of benign for this disease.

Illumina Laboratory Services, Illumina
Classification: Benign for Emery-Dreifuss muscular dystrophy 4, autosomal dominant. Last evaluated: 2018-01-13. Review status: criteria provided, single submitter. Criteria: ICSL Variant Classification Criteria 13 December 2019. Collection method: clinical testing. Allele origin: germline.
Comment: the same text as in the submission from Illumina Laboratory Services, Illumina above.